The following is an entry in ClinVar:

ClinVar aggregate classification (germline): Conflicting classifications of pathogenicity. Review status: criteria provided, conflicting classifications (1 of 4 stars). 8 submissions from 8 submitters: Uncertain significance (5); Likely benign (1). 2 of the submissions do not count toward it. Last evaluated 2024-11-13.

Conditions:
Fanconi anemia complementation group E (FANCE). Also called: FANCE-Related Fanconi Anemia. Identifiers: Orphanet 84, MedGen C3160739, MONDO:0010953, OMIM 600901.

Allele frequency attached by ClinVar (database versions not stated): 1000 Genomes Project 30x 0.00016; 1000 Genomes Project 0.00020; ExAC 0.00025; gnomAD 0.00032; TOPMed 0.00042; ESP Exome Variant Server 0.00046.
gnomAD v4.1: 975 of 1,614,098 alleles (0.06%); highest among the groups gnomAD compares: Non-Finnish European, 0.073%; 1 homozygote.

Submissions (8):

Blueprint Genetics
Classification: Uncertain significance. Last evaluated: 2024-11-13. Review status: criteria provided, single submitter. Criteria: ACMG Guidelines, 2015. Collection method: clinical testing. Allele origin: germline.

Fulgent Genetics
Classification: Likely benign for Fanconi anemia complementation group E. Last evaluated: 2024-03-11. Review status: criteria provided, single submitter. Criteria: ACMG Guidelines, 2015. Collection method: clinical testing. Allele origin: germline.

GeneDx
Classification: Uncertain significance. Last evaluated: 2023-12-24. Review status: criteria provided, single submitter. Criteria: GeneDx Variant Classification Process June 2021. Collection method: clinical testing. Allele origin: germline. Affected: yes.
Comment: Reported in a patient with severe aplastic anemia referred for whole exome sequencing (PMID: 35776903); In silico analysis supports that this missense variant does not alter protein structure/function; This variant is associated with the following publications: (PMID: 24728327, 35776903)

Labcorp Genetics (formerly Invitae), Labcorp
Classification: Uncertain significance for Fanconi anemia complementation group E. Last evaluated: 2022-10-31. Review status: criteria provided, single submitter. Criteria: Invitae Variant Classification Sherloc (09022015). Collection method: clinical testing. Allele origin: germline.
Comment: This sequence change replaces glycine, which is neutral and non-polar, with arginine, which is basic and polar, at codon 340 of the FANCE protein (p.Gly340Arg). This variant is present in population databases (rs45524646, gnomAD 0.06%). This variant has not been reported in the literature in individuals affected with FANCE-related conditions. ClinVar contains an entry for this variant (Variation ID: 134340). Advanced modeling of protein sequence and biophysical properties (such as structural, functional, and spatial information, amino acid conservation, physicochemical variation, residue mobility, and thermodynamic stability) performed at Invitae indicates that this missense variant is expected to disrupt FANCE protein function. In summary, the available evidence is currently insufficient to determine the role of this variant in disease. Therefore, it has been classified as a Variant of Uncertain Significance.

Institute for Clinical Genetics, University Hospital TU Dresden, University Hospital TU Dresden
Classification: Uncertain significance. Last evaluated: 2021-11-03. Review status: criteria provided, single submitter. Criteria: ACMG Guidelines, 2015. Collection method: clinical testing. Allele origin: germline.

Illumina Laboratory Services, Illumina
Classification: Uncertain significance for Fanconi anemia complementation group E. Last evaluated: 2018-01-13. Review status: criteria provided, single submitter. Criteria: ICSL Variant Classification Criteria 13 December 2019. Collection method: clinical testing. Allele origin: germline.

ITMI
No classification provided. Condition: AllHighlyPenetrant. Last evaluated: 2013-09-19. Review status: no classification provided. Collection method: reference population. Allele origin: germline. Not counted in ClinVar's aggregate classification.
Comment: Please see associated publication for description of ethnicities

Leiden Open Variation Database
Classification: Uncertain significance. Last evaluated: 2011-02-07. Review status: no assertion criteria provided. Collection method: curation. Allele origin: germline. Affected: yes. Not counted in ClinVar's aggregate classification.
Comment: Curator: Arleen D. Auerbach. Submitter to LOVD: Arleen D. Auerbach.

Literature cited by the submitters: PubMed 24728327 (cited by ITMI); PubMed 14695169 (cited by Leiden Open Variation Database).

NM_021922.3(FANCE):c.1018G>C (p.Gly340Arg)

Gene: FANCE (FA complementation group E; plus strand). Cytogenetic location: 6p21.31.
Variant type: single nucleotide variant.
Coding change: c.1018G>C on transcript NM_021922.3 (MANE Select); coding-DNA position 1018, G replaced by C.
Protein change: p.Gly340Arg; replaces glycine 340 with arginine.
Molecular consequence: missense variant.
Genome position (GRCh38, 1-based): chr6:35,458,345, G>C. VCF-style: chr6-35458345-G-C. GRCh37 (hg19) VCF-style: chr6-35426122-G-C.
Other names: short protein forms G340R.
Identifiers: ClinVar variation 134340 (VCV000134340.18), dbSNP rs45524646, ClinGen allele CA159545.